The following is an entry in ClinVar:

NM_001127898.4(CLCN5):c.1604C>G (p.Ala535Gly)

Gene: CLCN5 (chloride voltage-gated channel 5; plus strand). Cytogenetic location: Xp11.23.
Variant type: single nucleotide variant.
Coding change: c.1604C>G on transcript NM_001127898.4 (MANE Select); coding-DNA position 1604, C replaced by G.
Protein change: p.Ala535Gly; replaces alanine 535 with glycine.
Molecular consequence: missense variant.
Genome position (GRCh38, 1-based): chrX:50,088,744, C>G. VCF-style: chrX-50088744-C-G. GRCh37 (hg19) VCF-style: chrX-49853401-C-G.
Other names: c.1394C>G, p.Ala465Gly (NM_000084.5); c.1604C>G, p.Ala535Gly (NM_001127899.4); c.1454C>G, p.Ala485Gly (NM_001282163.2); short protein forms A465G, A485G, A535G.
Identifiers: ClinVar variation 2960953 (VCV002960953.3), dbSNP rs2519440423, ClinGen allele CA413187946.
Genomic context (GRCh38, chrX:50,088,744, plus strand): 5'-GTTTCTCTTTGCAGATCCCTTCTGGCCTCTTTATCCCTAGCATGGCTGTTGGTGCTATAG[C>G]AGGTCGACTTCTAGGAGTAGGAATGGAACAGCTGGCTTATTACCACCAGGAATGGACCGT-3'
Protein context (NP_001121370.1, residues 525-545): FIPSMAVGAI[Ala535Gly]GRLLGVGMEQ

ClinVar aggregate classification (germline): Uncertain significance (1 of 4 stars; one submission).

Submission:

Labcorp Genetics (formerly Invitae), Labcorp
Classification: Uncertain significance. Last evaluated: 2023-12-09. Review status: criteria provided, single submitter. Criteria: Invitae Variant Classification Sherloc (09022015). Collection method: clinical testing. Allele origin: germline.
Comment: This sequence change replaces alanine, which is neutral and non-polar, with glycine, which is neutral and non-polar, at codon 465 of the CLCN5 protein (p.Ala465Gly). This variant is not present in population databases (gnomAD no frequency). This variant has not been reported in the literature in individuals affected with CLCN5-related conditions. An algorithm developed to predict the effect of missense changes on protein structure and function (PolyPhen-2) suggests that this variant is likely to be tolerated. In summary, the available evidence is currently insufficient to determine the role of this variant in disease. Therefore, it has been classified as a Variant of Uncertain Significance.